The following is an entry in ClinVar:

NM_015425.6(POLR1A):c.102G>A (p.Thr34=)

Gene: POLR1A (RNA polymerase I subunit A; minus strand). Cytogenetic location: 2p11.2.
Variant type: single nucleotide variant.
Coding change: c.102G>A on transcript NM_015425.6 (MANE Select); coding-DNA position 102, G replaced by A.
Protein change: p.Thr34=; no amino-acid change (threonine 34 retained).
Molecular consequence: synonymous variant.
Genome position (GRCh38, 1-based): chr2:86,100,148, C>T on the plus strand (G>A on the coding strand, the complement: POLR1A is on the minus strand). VCF-style: chr2-86100148-C-T. GRCh37 (hg19) VCF-style: chr2-86327271-C-T.
Other names: c.102G>A (NM_015425.4).
Identifiers: ClinVar variation 1594632 (VCV001594632.11), dbSNP rs376601511, ClinGen allele CA1746736.

ClinVar aggregate classification (germline): Likely benign. Review status: criteria provided, multiple submitters, no conflicts (2 of 4 stars). 3 submissions from 3 submitters: Likely benign (2). 1 of the submissions does not count toward it. Last evaluated 2025-10-22.

Conditions:
POLR1A-related disorder. Also called: POLR1A-related condition.

Allele frequency attached by ClinVar (database versions not stated): gnomAD exomes 0.00008 and 0.00012; ExAC 0.00009; gnomAD 0.00014 and 0.00015; TOPMed 0.00016; ESP Exome Variant Server 0.00025.
gnomAD v4.1: 196 of 1,613,748 alleles (0.012%); highest among the groups gnomAD compares: Non-Finnish European, 0.016%; no homozygotes.

Submissions (3):

Labcorp Genetics (formerly Invitae), Labcorp
Classification: Likely benign. Last evaluated: 2025-10-22. Review status: criteria provided, single submitter. Criteria: Invitae Variant Classification Sherloc (09022015). Collection method: clinical testing. Allele origin: germline.

Blueprint Genetics
Classification: Likely benign. Last evaluated: 2024-10-07. Review status: criteria provided, single submitter. Criteria: ACMG Guidelines, 2015. Collection method: clinical testing. Allele origin: germline.

PreventionGenetics, part of Exact Sciences
Classification: Likely benign for POLR1A-related condition. Last evaluated: 2019-06-11. Review status: no assertion criteria provided. Collection method: clinical testing. Allele origin: germline. Not counted in ClinVar's aggregate classification.
Comment: This variant is classified as likely benign based on ACMG/AMP sequence variant interpretation guidelines (Richards et al. 2015 PMID: 25741868, with internal and published modifications).